The following is an entry in ClinVar:

ClinVar aggregate classification (germline): Conflicting classifications of pathogenicity. Review status: criteria provided, conflicting classifications (1 of 4 stars). 4 submissions from 4 submitters: Uncertain significance (3); Likely benign (1). Last evaluated 2025-12-03.

Conditions:
Fibrous dysplasia of jaw (CRBM). Also called: Cherubism. Identifiers: Orphanet 184, MedGen C0008029, MONDO:0007315, OMIM 118400.
Inborn genetic diseases. Identifiers: MedGen C0950123, MeSH D030342.

Allele frequency attached by ClinVar (database versions not stated): gnomAD 0.00006; TOPMed 0.00007; ESP Exome Variant Server 0.00023.

Submissions (4):

Labcorp Genetics (formerly Invitae), Labcorp
Classification: Uncertain significance for Fibrous dysplasia of jaw. Last evaluated: 2025-12-03. Review status: criteria provided, single submitter. Criteria: Invitae Variant Classification Sherloc (09022015). Collection method: clinical testing. Allele origin: germline.
Comment: This sequence change replaces methionine, which is neutral and non-polar, with valine, which is neutral and non-polar, at codon 12 of the SH3BP2 protein (p.Met12Val). This variant is present in population databases (rs148117486, gnomAD 0.01%). This variant has not been reported in the literature in individuals affected with SH3BP2-related conditions. ClinVar contains an entry for this variant (Variation ID: 525202). Invitae Evidence Modeling of protein sequence and biophysical properties (such as structural, functional, and spatial information, amino acid conservation, physicochemical variation, residue mobility, and thermodynamic stability) indicates that this missense variant is not expected to disrupt SH3BP2 protein function with a negative predictive value of 95%. In summary, the available evidence is currently insufficient to determine the role of this variant in disease. Therefore, it has been classified as a Variant of Uncertain Significance.

Ambry Genetics
Classification: Uncertain significance for Inborn genetic diseases. Last evaluated: 2025-02-25. Review status: criteria provided, single submitter. Criteria: Ambry Variant Classification Scheme 2023. Collection method: clinical testing. Allele origin: germline.

Center for Genomics, Ann and Robert H. Lurie Children's Hospital of Chicago
Classification: Uncertain significance for Fibrous dysplasia of jaw. Last evaluated: 2021-03-30. Review status: criteria provided, single submitter. Criteria: ACMG Guidelines, 2015. Collection method: clinical testing. Allele origin: germline.
Comment: SH3BP2 NM_003023 exon 2 p.Met12Val (c.34A>G): This variant has not been reported in the literature but is present in 13/111702 European alleles in the Genome Aggregation Database. Evolutionary conservation and computational predictive tools suggest that this variant may impact the protein. In summary, data on this variant is insufficient for disease classification. Therefore, the clinical significance of this variant is uncertain.

Illumina Laboratory Services, Illumina
Classification: Likely benign for Fibrous dysplasia of jaw. Last evaluated: 2018-01-12. Review status: criteria provided, single submitter. Criteria: ICSL Variant Classification Criteria 13 December 2019. Collection method: clinical testing. Allele origin: germline.
Comment: This variant was observed in the ICSL laboratory as part of a predisposition screen in an ostensibly healthy population. It had not been previously curated by ICSL or reported in the Human Gene Mutation Database (HGMD: prior to June 1st, 2018), and was therefore a candidate for classification through an automated scoring system. Utilizing variant allele frequency, disease prevalence and penetrance estimates, and inheritance mode, an automated score was calculated to assess if this variant is too frequent to cause the disease. Based on the score and internal cut-off values, a variant classified as likely benign is not then subjected to further curation. The score for this variant resulted in a classification of likely benign for this disease.

NM_001122681.2(SH3BP2):c.34A>G (p.Met12Val)

Gene: SH3BP2 (SH3 domain binding protein 2; plus strand). Cytogenetic location: 4p16.3.
Variant type: single nucleotide variant.
Coding change: c.34A>G on transcript NM_001122681.2 (MANE Select); coding-DNA position 34, A replaced by G.
Protein change: p.Met12Val; replaces methionine 12 with valine.
Molecular consequence: missense variant.
Genome position (GRCh38, 1-based): chr4:2,820,651, A>G. VCF-style: chr4-2820651-A-G. GRCh37 (hg19) VCF-style: chr4-2822378-A-G.
Other names: c.118A>G, p.Met40Val (LRG_1334t2, NM_001145855.2); c.34A>G, p.Met12Val (LRG_1334t1, NM_003023.4); c.205A>G, p.Met69Val (NM_001145856.2); short protein forms M12V, M40V, M69V.
Identifiers: ClinVar variation 525202 (VCV000525202.15), dbSNP rs148117486, ClinGen allele CA2818886.